The following is an entry in ClinVar:

ClinVar aggregate classification (germline): Conflicting classifications of pathogenicity. Review status: criteria provided, conflicting classifications (1 of 4 stars). 3 submissions from 3 submitters: Uncertain significance (1); Benign (1). 1 of the submissions does not count toward it. Last evaluated 2025-08-09.

Conditions:
DNAH11-related disorder. Also called: DNAH11-related condition.
Primary ciliary dyskinesia. Also called: Ciliary dyskinesia. Identifiers: Orphanet 244, MedGen C0008780, MONDO:0016575, HP:0012265.

Allele frequency attached by ClinVar (database versions not stated): TOPMed 0.00001; ExAC 0.00003; gnomAD 0.00003; gnomAD exomes 0.00004.
gnomAD v4.1: 59 of 1,609,996 alleles (0.0037%); highest among the groups gnomAD compares: African/African-American, 0.0054%; no homozygotes.

Submissions (3):

Labcorp Genetics (formerly Invitae), Labcorp
Classification: Benign for Primary ciliary dyskinesia. Last evaluated: 2025-08-09. Review status: criteria provided, single submitter. Criteria: Invitae Variant Classification Sherloc (09022015). Collection method: clinical testing. Allele origin: germline.

Ambry Genetics
Classification: Uncertain significance for Primary ciliary dyskinesia. Last evaluated: 2025-06-10. Review status: criteria provided, single submitter. Criteria: Ambry Variant Classification Scheme 2023. Collection method: clinical testing. Allele origin: germline.

PreventionGenetics, part of Exact Sciences
Classification: Uncertain significance for DNAH11-related condition. Last evaluated: 2024-09-25. Review status: no assertion criteria provided. Collection method: clinical testing. Allele origin: germline. Not counted in ClinVar's aggregate classification.
Comment: The DNAH11 c.9064G>A variant is predicted to result in the amino acid substitution p.Val3022Ile. To our knowledge, this variant has not been reported in the literature. This variant is reported in 0.0047% of alleles in individuals of European (Non-Finnish) descent in gnomAD. At this time, the clinical significance of this variant is uncertain due to the absence of conclusive functional and genetic evidence.

NM_001277115.2(DNAH11):c.9064G>A (p.Val3022Ile)

Gene: DNAH11 (dynein axonemal heavy chain 11; plus strand). Cytogenetic location: 7p15.3.
Variant type: single nucleotide variant.
Coding change: c.9064G>A on transcript NM_001277115.2 (MANE Select); coding-DNA position 9064, G replaced by A.
Protein change: p.Val3022Ile; replaces valine 3022 with isoleucine.
Molecular consequence: missense variant.
Genome position (GRCh38, 1-based): chr7:21,765,551, G>A. VCF-style: chr7-21765551-G-A. GRCh37 (hg19) VCF-style: chr7-21805169-G-A.
Other names: c.9085G>A, p.Val3029Ile (NM_003777.3); c.9064G>A (NM_001277115.1); short protein forms V3029I, V3022I.
Identifiers: ClinVar variation 2716504 (VCV002716504.5), dbSNP rs757486099, ClinGen allele CA4181835.